The following is an entry in ClinVar:

NM_024642.5(GALNT12):c.1036-8G>C

Gene: GALNT12 (polypeptide N-acetylgalactosaminyltransferase 12; plus strand). Cytogenetic location: 9q22.33.
Variant type: single nucleotide variant.
Coding change: c.1036-8G>C on transcript NM_024642.5 (MANE Select); 8 bases into the intron before coding-DNA position 1036, G replaced by C.
Molecular consequence: intron variant.
Genome position (GRCh38, 1-based): chr9:98,836,964, G>C. VCF-style: chr9-98836964-G-C. GRCh37 (hg19) VCF-style: chr9-101599246-G-C.
Identifiers: ClinVar variation 4875704 (VCV004875704.1).
Genomic context (GRCh38, chr9:98,836,964, plus strand): 5'-TGCAGATACTATGGACCCGCAGCTCATCCCCTGCTCACCACCTGGCCTCTCCTTTTCTCT[G>C]TGTGCAGATCTGGCAGTGTGGTGGGGTTCTGGAAACACACCCATGTTCCCATGTTGGCCA-3'

ClinVar aggregate classification (germline): Likely benign (1 of 4 stars; one submission).

Conditions:
Colorectal cancer, susceptibility to, 1. Also called: COLORECTAL ADENOMA AND CANCER, SUSCEPTIBILITY TO; COLORECTAL CANCER, SUSCEPTIBILITY TO, ON CHROMOSOME 9. Identifiers: MedGen C1837315, MONDO:0012132, OMIM 608812.

gnomAD v4.1: 2 of 1,614,022 alleles (0.00012%); highest among the groups gnomAD compares: Non-Finnish European, 0.00017%; no homozygotes.

Submission:

Myriad Genetics, Inc.
Classification: Likely benign for Colorectal cancer, susceptibility to, 1. Last evaluated: 2026-04-22. Review status: criteria provided, single submitter. Criteria: Myriad Autosomal Dominant, Autosomal Recessive and X-Linked Classification Criteria (2023). Collection method: clinical testing. Allele origin: unknown.
Comment: This variant is considered likely benign. This variant is intronic and is not expected to impact mRNA splicing.